The following is an entry in ClinVar:

ClinVar aggregate classification (germline): Uncertain significance (1 of 4 stars; one submission).

Conditions:
Joubert syndrome 23 (JBTS23). Identifiers: Orphanet 475, MedGen C4084822, MONDO:0014664, OMIM 616490.
Short-rib thoracic dysplasia 14 with polydactyly (SRTD14). Identifiers: Orphanet 397715, MedGen C4225286, MONDO:0014688, OMIM 616546.

Submission:

Labcorp Genetics (formerly Invitae), Labcorp
Classification: Uncertain significance for Joubert syndrome 23; Short-rib thoracic dysplasia 14 with polydactyly. Last evaluated: 2022-05-31. Review status: criteria provided, single submitter. Criteria: Invitae Variant Classification Sherloc (09022015). Collection method: clinical testing. Allele origin: germline.
Comment: This variant is not present in population databases (gnomAD no frequency). This variant has not been reported in the literature in individuals affected with KIAA0586-related conditions. This sequence change replaces alanine, which is neutral and non-polar, with glutamic acid, which is acidic and polar, at codon 1403 of the KIAA0586 protein (p.Ala1403Glu). Algorithms developed to predict the effect of missense changes on protein structure and function are either unavailable or do not agree on the potential impact of this missense change (SIFT: "Deleterious"; PolyPhen-2: "Probably Damaging"; Align-GVGD: "Class C0"). In summary, the available evidence is currently insufficient to determine the role of this variant in disease. Therefore, it has been classified as a Variant of Uncertain Significance.

NM_001329943.3(KIAA0586):c.4049C>A (p.Ala1350Glu)

Gene: KIAA0586 (KIAA0586; plus strand). Cytogenetic location: 14q23.1.
Variant type: single nucleotide variant.
Coding change: c.4049C>A on transcript NM_001329943.3 (MANE Select); coding-DNA position 4049, C replaced by A.
Protein change: p.Ala1350Glu; replaces alanine 1350 with glutamic acid.
Molecular consequence: missense variant.
Genome position (GRCh38, 1-based): chr14:58,498,841, C>A. VCF-style: chr14-58498841-C-A. GRCh37 (hg19) VCF-style: chr14-58965559-C-A.
Other names: c.4208C>A, p.Ala1403Glu (NM_001244189.2); c.4004C>A, p.Ala1335Glu (NM_001244190.2); c.3794C>A, p.Ala1265Glu (NM_001244191.2, NM_001329945.2, NM_001364700.1 and 1 more transcripts); c.3917C>A, p.Ala1306Glu (NM_001244192.2, NM_001329947.2); c.3629C>A, p.Ala1210Glu (NM_001244193.2); c.4049C>A, p.Ala1350Glu (NM_001329944.2, NM_001329946.2); c.3821C>A, p.Ala1274Glu (NM_014749.5); short protein forms A1335E, A1265E, A1403E, A1210E, A1274E, A1306E, A1350E.
Identifiers: ClinVar variation 1942307 (VCV001942307.5), dbSNP rs758712811, ClinGen allele CA389885552.